The following is an entry in ClinVar:

ClinVar aggregate classification (germline): Uncertain significance. Review status: criteria provided, multiple submitters, no conflicts (2 of 4 stars). 2 submissions from 2 submitters: Uncertain significance (2). Last evaluated 2025-04-09.

Conditions:
Hereditary nonpolyposis colorectal neoplasms. Identifiers: MedGen C0009405, MeSH D003123.
Hereditary cancer-predisposing syndrome. Also called: Tumor predisposition; Hereditary neoplastic syndrome; Neoplastic Syndromes, Hereditary; Hereditary Cancer Syndrome. Identifiers: Orphanet 140162, MedGen C0027672, MeSH D009386, MONDO:0015356.

Submissions (2):

Ambry Genetics
Classification: Uncertain significance for Hereditary cancer-predisposing syndrome. Last evaluated: 2025-04-09. Review status: criteria provided, single submitter. Criteria: Ambry Variant Classification Scheme 2023. Collection method: clinical testing. Allele origin: germline.
Comment: The c.4066_4067dupTT variant, located in coding exon 10 of the MSH6 gene, results from a duplication of TT at nucleotide position 4066, causing a translational frameshift with a predicted alternate stop codon (p.L1356Ffs*2). This alteration occurs at the 3' terminus of theMSH6 gene, is not expected to trigger nonsense-mediated mRNAdecay, and impacts the last 5 amino acids of the protein. The exact functional effect of this alteration is unknown. Based on the available evidence, the clinical significance of this variant remains unclear.

Labcorp Genetics (formerly Invitae), Labcorp
Classification: Uncertain significance for Hereditary nonpolyposis colorectal neoplasms. Last evaluated: 2023-01-20. Review status: criteria provided, single submitter. Criteria: Invitae Variant Classification Sherloc (09022015). Collection method: clinical testing. Allele origin: germline.
Comment: This variant is not present in population databases (gnomAD no frequency). This sequence change creates a premature translational stop signal (p.Leu1356Phefs*2) in the MSH6 gene. While this is not anticipated to result in nonsense mediated decay, it is expected to disrupt the last 5 amino acid(s) of the MSH6 protein. In summary, the available evidence is currently insufficient to determine the role of this variant in disease. Therefore, it has been classified as a Variant of Uncertain Significance. Algorithms developed to predict the effect of sequence changes on RNA splicing suggest that this variant may disrupt the consensus splice site. Experimental studies and prediction algorithms are not available or were not evaluated, and the functional significance of this variant is currently unknown. This variant has not been reported in the literature in individuals affected with MSH6-related conditions.

NM_000179.3(MSH6):c.4066_4067dup (p.Leu1356fs)

Gene: MSH6 (mutS homolog 6; plus strand). Cytogenetic location: 2p16.3.
Variant type: Duplication.
Coding change: c.4066_4067dup on transcript NM_000179.3 (MANE Select); coding-DNA positions 4066 to 4067, 2 bases duplicated (TT; older notation c.4066_4067dupTT).
Protein change: p.Leu1356fs; shifts the reading frame from leucine 1356.
Molecular consequence: frameshift variant.
Genome position (GRCh38, 1-based): chr2:47,806,843-47,806,844, TT duplicated; duplicating any 2 consecutive bases within chr2:47,806,842-47,806,844 gives the same sequence; the c. name uses the placement nearest the transcript's 3' end. VCF-style (leftmost placement, unchanged base first): chr2-47806841-C-CTT. GRCh37 (hg19) VCF-style: chr2-48033980-C-CTT.
Other names: c.3541_3542dup, p.Leu1181Phefs (NM_001406807.1, NM_001406799.1, NM_001406806.1); c.*47_*48dup (NM_001406808.1, NM_001406822.1, NM_001406801.1 and 1 more transcripts); c.4066_4067dup, p.Leu1356Phefs (NM_001406809.1, NM_001406796.1); c.3160_3161dup, p.Leu1054Phefs (NM_001406811.1, NM_001406812.1, NM_001406814.1 and 4 more transcripts); c.4072_4073dup, p.Leu1358Phefs (NM_001406813.1); c.2500_2501dup, p.Leu834Phefs (NM_001406817.1); c.3769_3770dup, p.Leu1257Phefs (NM_001406818.1, NM_001406819.1, NM_001406820.1 and 8 more transcripts); c.913_914dup, p.Leu305Phefs (NM_001406832.1); and 11 more; short protein forms L1054fs, L1356fs, L1226fs.
Identifiers: ClinVar variation 1985262 (VCV001985262.5), dbSNP rs2530898112, ClinGen allele CA2580067601.
Genomic context (GRCh38, chr2:47,806,841, plus strand): 5'-AAGTTTGCCTGGCTAGTGAAAGGTCAACTGTAGATGCTGAAGCTGTCCATAAATTGCTGA[C>CTT]TTTGATTAAGGAATTATAGACTGACTACATTGGAAGCTTTGAGTTGACTTCTGACAAAGG-3'